The following is an entry in ClinVar:

NM_138370.3(PKDCC):c.380G>A (p.Gly127Asp)

Genes: PKDCC (protein kinase domain containing, cytoplasmic; plus strand), LOC129933565 (ATAC-STARR-seq lymphoblastoid silent region 11398; plus strand). Cytogenetic location: 2p21.
Variant type: single nucleotide variant.
Coding change: c.380G>A on transcript NM_138370.3 (MANE Select); coding-DNA position 380, G replaced by A.
Protein change: p.Gly127Asp; replaces glycine 127 with aspartic acid.
Molecular consequence: missense variant.
Genome position (GRCh38, 1-based): chr2:42,048,579, G>A. VCF-style: chr2-42048579-G-A. GRCh37 (hg19) VCF-style: chr2-42275719-G-A.
Other names: short protein forms G127D.
Identifiers: ClinVar variation 1941831 (VCV001941831.5), dbSNP rs1271122672, ClinGen allele CA346623047.

ClinVar aggregate classification (germline): Uncertain significance (1 of 4 stars; one submission).

gnomAD v4.1: 2 of 1,394,358 alleles (0.00014%); highest among the groups gnomAD compares: South Asian, 0.0016%; no homozygotes.

Submission:

Labcorp Genetics (formerly Invitae), Labcorp
Classification: Uncertain significance. Last evaluated: 2022-02-28. Review status: criteria provided, single submitter. Criteria: Invitae Variant Classification Sherloc (09022015). Collection method: clinical testing. Allele origin: germline.
Comment: This sequence change replaces glycine, which is neutral and non-polar, with aspartic acid, which is acidic and polar, at codon 127 of the PKDCC protein (p.Gly127Asp). This variant is not present in population databases (gnomAD no frequency). This variant has not been reported in the literature in individuals affected with PKDCC-related conditions. In summary, the available evidence is currently insufficient to determine the role of this variant in disease. Therefore, it has been classified as a Variant of Uncertain Significance. Algorithms developed to predict the effect of missense changes on protein structure and function are either unavailable or do not agree on the potential impact of this missense change (SIFT: "Deleterious"; PolyPhen-2: "Benign"; Align-GVGD: "Class C0").